The following is an entry in ClinVar:

NM_000487.6(ARSA):c.1199T>C (p.Phe400Ser)

Gene: ARSA (arylsulfatase A; minus strand). Cytogenetic location: 22q13.33.
Variant type: single nucleotide variant.
Coding change: c.1199T>C on transcript NM_000487.6 (MANE Select); coding-DNA position 1199, T replaced by C.
Protein change: p.Phe400Ser; replaces phenylalanine 400 with serine.
Molecular consequence: missense variant.
Genome position (GRCh38, 1-based): chr22:50,625,590, A>G on the plus strand (T>C on the coding strand, the complement: ARSA is on the minus strand). VCF-style: chr22-50625590-A-G. GRCh37 (hg19) VCF-style: chr22-51064018-A-G.
Other names: c.1199T>C, p.Phe400Ser (NM_001085425.3, NM_001085426.3, NM_001085427.3); c.941T>C, p.Phe314Ser (NM_001085428.3, NM_001362782.2); short protein forms F314S, F400S.
Identifiers: ClinVar variation 2767043 (VCV002767043.3), dbSNP rs2518323495, ClinGen allele CA412169808.

ClinVar aggregate classification (germline): Likely pathogenic (1 of 4 stars; one submission).

Conditions:
Metachromatic leukodystrophy (MLD). Also called: CEREBROSIDE SULFATASE DEFICIENCY; ARSA DEFICIENCY; METACHROMATIC LEUKOENCEPHALOPATHY; SULFATIDE LIPIDOSIS; Cerebral sclerosis diffuse metachromatic form; Arylsulfatase A Deficiency. Identifiers: Orphanet 512, MedGen C0023522, MONDO:0018868, OMIM 250100.

Submission:

Labcorp Genetics (formerly Invitae), Labcorp
Classification: Likely pathogenic for Metachromatic leukodystrophy. Last evaluated: 2023-10-09. Review status: criteria provided, single submitter. Criteria: Invitae Variant Classification Sherloc (09022015). Collection method: clinical testing. Allele origin: germline.
Comment: This sequence change replaces phenylalanine, which is neutral and non-polar, with serine, which is neutral and polar, at codon 400 of the ARSA protein (p.Phe400Ser). This variant is not present in population databases (gnomAD no frequency). This variant has not been reported in the literature in individuals affected with ARSA-related conditions. Advanced modeling of protein sequence and biophysical properties (such as structural, functional, and spatial information, amino acid conservation, physicochemical variation, residue mobility, and thermodynamic stability) performed at Invitae indicates that this missense variant is expected to disrupt ARSA protein function. This variant disrupts the p.Phe400 amino acid residue in ARSA. Other variant(s) that disrupt this residue have been determined to be pathogenic (PMID: 33385934). This suggests that this residue is clinically significant, and that variants that disrupt this residue are likely to be disease-causing. In summary, the currently available evidence indicates that the variant is pathogenic, but additional data are needed to prove that conclusively. Therefore, this variant has been classified as Likely Pathogenic.

Literature cited by the submitters: PubMed 33385934.